The following is an entry in ClinVar:

NM_001130987.2(DYSF):c.5061T>G (p.Tyr1687Ter)

Gene: DYSF (dysferlin; plus strand). Cytogenetic location: 2p13.2.
Variant type: single nucleotide variant.
Coding change: c.5061T>G on transcript NM_001130987.2 (MANE Select); coding-DNA position 5061, T replaced by G.
Protein change: p.Tyr1687Ter; replaces tyrosine 1687 with a stop codon.
Molecular consequence: nonsense.
Genome position (GRCh38, 1-based): chr2:71,664,325, T>G. VCF-style: chr2-71664325-T-G. GRCh37 (hg19) VCF-style: chr2-71891455-T-G.
Other names: c.5007T>G, p.Tyr1669Ter (NM_001130978.2); c.5037T>G, p.Tyr1679Ter (NM_001130979.2); c.4995T>G, p.Tyr1665Ter (NM_001130980.2); c.5058T>G, p.Tyr1686Ter (NM_001130981.2); c.5040T>G, p.Tyr1680Ter (NM_001130982.2); c.5010T>G, p.Tyr1670Ter (NM_001130983.2); c.4968T>G, p.Tyr1656Ter (NM_001130984.2); c.4998T>G, p.Tyr1666Ter (NM_001130985.2); and 5 more; short protein forms Y1635*, Y1666*, Y1669*, Y1670*, Y1649*, Y1655*, Y1656*, Y1665*.
Identifiers: ClinVar variation 2842960 (VCV002842960.3), dbSNP rs2546540241, ClinGen allele CA347220295.

ClinVar aggregate classification (germline): Pathogenic (1 of 4 stars; one submission).

Conditions:
Neuromuscular disease caused by qualitative or quantitative defects of dysferlin. Also called: Dysferlinopathy; Qualitative or quantitative defects of dysferlin. Identifiers: Orphanet 207073, MedGen C2931687, MONDO:0016145.

Submission:

Labcorp Genetics (formerly Invitae), Labcorp
Classification: Pathogenic for Neuromuscular disease caused by qualitative or quantitative defects of dysferlin. Last evaluated: 2023-03-09. Review status: criteria provided, single submitter. Criteria: Invitae Variant Classification Sherloc (09022015). Collection method: clinical testing. Allele origin: germline.
Comment: For these reasons, this variant has been classified as Pathogenic. This premature translational stop signal has been observed in individual(s) with clinical features of DYSF-related conditions (PMID: 27647186). This variant is not present in population databases (gnomAD no frequency). This sequence change creates a premature translational stop signal (p.Tyr1648*) in the DYSF gene. It is expected to result in an absent or disrupted protein product. Loss-of-function variants in DYSF are known to be pathogenic (PMID: 17698709, 20301480).

Literature cited by the submitters: PubMed 27647186; PubMed 17698709; PubMed 20301480.